The following is an entry in ClinVar:

ClinVar aggregate classification (germline): Uncertain significance. Review status: criteria provided, multiple submitters, no conflicts (2 of 4 stars). 2 submissions from 2 submitters: Uncertain significance (2). Last evaluated 2023-10-26.

Conditions:
Familial adenomatous polyposis 1 (FAP1). Also called: FAMILIAL ADENOMATOUS POLYPOSIS 1, ATTENUATED; POLYPOSIS, ADENOMATOUS INTESTINAL. Identifiers: MedGen C2713442, MONDO:0021056, OMIM 175100. Disease mechanism: loss of function.
Hereditary cancer-predisposing syndrome. Also called: Tumor predisposition; Hereditary Cancer Syndrome; Hereditary neoplastic syndrome; Neoplastic Syndromes, Hereditary. Identifiers: Orphanet 140162, MedGen C0027672, MeSH D009386, MONDO:0015356.

Submissions (2):

Ambry Genetics
Classification: Uncertain significance for Hereditary cancer-predisposing syndrome. Last evaluated: 2023-10-26. Review status: criteria provided, single submitter. Criteria: Ambry Variant Classification Scheme 2023. Collection method: clinical testing. Allele origin: germline.
Comment: The p.D807G variant (also known as c.2420A>G), located in coding exon 15 of the APC gene, results from an A to G substitution at nucleotide position 2420. The aspartic acid at codon 807 is replaced by glycine, an amino acid with similar properties. This amino acid position is highly conserved in available vertebrate species. In addition, in silico predictors for this gene do not accurately predict pathogenicity. Since supporting evidence is limited at this time, the clinical significance of this alteration remains unclear.

Labcorp Genetics (formerly Invitae), Labcorp
Classification: Uncertain significance for Familial adenomatous polyposis 1. Last evaluated: 2023-10-24. Review status: criteria provided, single submitter. Criteria: Invitae Variant Classification Sherloc (09022015). Collection method: clinical testing. Allele origin: germline.
Comment: This sequence change replaces aspartic acid, which is acidic and polar, with glycine, which is neutral and non-polar, at codon 807 of the APC protein (p.Asp807Gly). This variant is not present in population databases (gnomAD no frequency). This variant has not been reported in the literature in individuals affected with APC-related conditions. ClinVar contains an entry for this variant (Variation ID: 411521). Advanced modeling of protein sequence and biophysical properties (such as structural, functional, and spatial information, amino acid conservation, physicochemical variation, residue mobility, and thermodynamic stability) performed at Invitae indicates that this missense variant is not expected to disrupt APC protein function with a negative predictive value of 95%. In summary, the available evidence is currently insufficient to determine the role of this variant in disease. Therefore, it has been classified as a Variant of Uncertain Significance.

NM_000038.6(APC):c.2420A>G (p.Asp807Gly)

Gene: APC (APC regulator of Wnt signaling pathway; plus strand). Cytogenetic location: 5q22.2.
Variant type: single nucleotide variant.
Coding change: c.2420A>G on transcript NM_000038.6 (MANE Select); coding-DNA position 2420, A replaced by G.
Protein change: p.Asp807Gly; replaces aspartic acid 807 with glycine.
Molecular consequence: missense variant.
Genome position (GRCh38, 1-based): chr5:112,838,014, A>G. VCF-style: chr5-112838014-A-G. GRCh37 (hg19) VCF-style: chr5-112173711-A-G.
Other names: c.2420A>G, p.Asp807Gly (NM_001127510.3, NM_001354895.2); c.2366A>G, p.Asp789Gly (NM_001127511.3); c.2474A>G, p.Asp825Gly (NM_001354896.2); c.2450A>G, p.Asp817Gly (NM_001354897.2); c.2345A>G, p.Asp782Gly (NM_001354898.2); c.2336A>G, p.Asp779Gly (NM_001354899.2); c.2297A>G, p.Asp766Gly (NM_001354900.2); c.2243A>G, p.Asp748Gly (NM_001354901.2); and 5 more; short protein forms D807G, D789G, D524G, D817G, D647G, D706G, D748G, D779G.
Identifiers: ClinVar variation 411521 (VCV000411521.12), dbSNP rs1060503347, ClinGen allele CA16026646.